The following is an entry in ClinVar:

NM_000152.5(GAA):c.1158G>T (p.Gln386His)

Gene: GAA (alpha glucosidase; plus strand). Cytogenetic location: 17q25.3.
Variant type: single nucleotide variant.
Coding change: c.1158G>T on transcript NM_000152.5 (MANE Select); coding-DNA position 1158, G replaced by T.
Protein change: p.Gln386His; replaces glutamine 386 with histidine.
Molecular consequence: missense variant.
Genome position (GRCh38, 1-based): chr17:80,108,571, G>T. VCF-style: chr17-80108571-G-T. GRCh37 (hg19) VCF-style: chr17-78082370-G-T.
Other names: c.1158G>T, p.Gln386His (NM_001079803.3, NM_001079804.3); short protein forms Q386H.
Identifiers: ClinVar variation 1314872 (VCV001314872.5), dbSNP rs1400466814, ClinGen allele CA401365068.

ClinVar aggregate classification (germline): Uncertain significance. Review status: criteria provided, multiple submitters, no conflicts (2 of 4 stars). 3 submissions from 3 submitters: Uncertain significance (3). Last evaluated 2022-07-08.

Conditions:
Glycogen storage disease, type II (IOPD). Also called: ACID ALPHA-GLUCOSIDASE DEFICIENCY, INFANTILE-ONSET; GAA DEFICIENCY, INFANTILE-ONSET; ACID MALTASE DEFICIENCY, INFANTILE-ONSET; POMPE DISEASE, INFANTILE-ONSET; GLYCOGEN STORAGE DISEASE II, INFANTILE-ONSET; Glucosidase acid-1,4-alpha deficiency. Identifiers: Orphanet 365, MedGen C0017921, MONDO:0009290, OMIM 232300.

Submissions (3):

Labcorp Genetics (formerly Invitae), Labcorp
Classification: Uncertain significance for Glycogen storage disease, type II. Last evaluated: 2022-07-08. Review status: criteria provided, single submitter. Criteria: Invitae Variant Classification Sherloc (09022015). Collection method: clinical testing. Allele origin: germline.
Comment: This sequence change replaces glutamine, which is neutral and polar, with histidine, which is basic and polar, at codon 386 of the GAA protein (p.Gln386His). This variant is not present in population databases (gnomAD no frequency). This variant has not been reported in the literature in individuals affected with GAA-related conditions. ClinVar contains an entry for this variant (Variation ID: 1314872). Algorithms developed to predict the effect of missense changes on protein structure and function (SIFT, PolyPhen-2, Align-GVGD) all suggest that this variant is likely to be tolerated. In summary, the available evidence is currently insufficient to determine the role of this variant in disease. Therefore, it has been classified as a Variant of Uncertain Significance.

GeneDx
Classification: Uncertain significance. Last evaluated: 2021-04-14. Review status: criteria provided, single submitter. Criteria: GeneDx Variant Classification Process June 2021. Collection method: clinical testing. Allele origin: germline. Affected: yes.
Comment: Not observed in large population cohorts (Lek et al., 2016); In silico analysis supports that this missense variant has a deleterious effect on protein structure/function; Has not been previously published as pathogenic or benign to our knowledge

Revvity Omics, Revvity
Classification: Uncertain significance. Last evaluated: 2020-04-13. Review status: criteria provided, single submitter. Criteria: ACMG Guidelines, 2015. Collection method: clinical testing. Allele origin: germline.